The following is an entry in ClinVar:

NM_001018113.3(FANCB):c.898G>A (p.Val300Ile)

Gene: FANCB (FA complementation group B; minus strand). Cytogenetic location: Xp22.2.
Variant type: single nucleotide variant.
Coding change: c.898G>A on transcript NM_001018113.3 (MANE Select); coding-DNA position 898, G replaced by A.
Protein change: p.Val300Ile; replaces valine 300 with isoleucine.
Molecular consequence: missense variant.
Genome position (GRCh38, 1-based): chrX:14,864,613, C>T on the plus strand (G>A on the coding strand, the complement: FANCB is on the minus strand). VCF-style: chrX-14864613-C-T. GRCh37 (hg19) VCF-style: chrX-14882735-C-T.
Other names: c.898G>A, p.Val300Ile (NM_001324162.2, NM_001410764.1, NM_152633.4); short protein forms V300I.
Identifiers: ClinVar variation 2902357 (VCV002902357.6), dbSNP rs757610875, ClinGen allele CA10353158.

ClinVar aggregate classification (germline): Benign/Likely benign. Review status: criteria provided, multiple submitters, no conflicts (2 of 4 stars). 3 submissions from 3 submitters: Benign (1); Likely benign (2). Last evaluated 2026-04-01.

Conditions:
Inborn genetic diseases. Identifiers: MedGen C0950123, MeSH D030342.
Fanconi anemia (FA). Also called: Fanconi's anemia. Identifiers: Orphanet 84, MedGen C0015625, MeSH D005199, MONDO:0019391.

Allele frequency attached by ClinVar (database versions not stated): ExAC 0.00006.
gnomAD v4.1: 32 of 1,208,098 alleles (0.0026%); highest among the groups gnomAD compares: South Asian, 0.049%; no homozygotes.

Submissions (3):

CeGaT Center for Human Genetics Tuebingen
Classification: Likely benign. Last evaluated: 2026-04-01. Review status: criteria provided, single submitter. Criteria: CeGaT Center For Human Genetics Tuebingen Variant Classification Criteria Version 2. Collection method: clinical testing. Allele origin: germline. Affected: yes. Observed: 1 variant allele.
Comment: FANCB: BP4, BS2

Labcorp Genetics (formerly Invitae), Labcorp
Classification: Benign for Fanconi anemia. Last evaluated: 2025-09-10. Review status: criteria provided, single submitter. Criteria: Invitae Variant Classification Sherloc (09022015). Collection method: clinical testing. Allele origin: germline.

Ambry Genetics
Classification: Likely benign for Inborn genetic diseases. Last evaluated: 2023-10-17. Review status: criteria provided, single submitter. Criteria: Ambry Variant Classification Scheme 2023. Collection method: clinical testing. Allele origin: germline.